The following is an entry in ClinVar:

ClinVar aggregate classification (germline): Uncertain significance (1 of 4 stars; one submission).

Submission:

GeneDx
Classification: Uncertain significance. Last evaluated: 2023-05-21. Review status: criteria provided, single submitter. Criteria: GeneDx Variant Classification Process June 2021. Collection method: clinical testing. Allele origin: germline. Affected: yes.
Comment: Not observed at significant frequency in large population cohorts (gnomAD); In-frame deletion of 1 amino acid in a non-repeat region; In silico analysis supports a deleterious effect on protein structure/function; Has not been previously published as pathogenic or benign to our knowledge

NM_001348800.3(ZBTB20):c.1060GAG[1] (p.Glu355del)

Gene: ZBTB20 (zinc finger and BTB domain containing 20; minus strand). Cytogenetic location: 3q13.31.
Variant type: Microsatellite.
Coding change: c.1060GAG[1] on transcript NM_001348800.3 (MANE Select); one copy of the 3-base unit GAG starting at c.1060; the reference has two copies in a row; one copy, 3 bases deleted.
Protein change: p.Glu355del; deletes glutamic acid 355.
Molecular consequence: inframe deletion.
Genome position (GRCh38, 1-based): chr3:114,351,013-114,351,015, CTC deleted on the plus strand (GAG on the coding strand, the reverse complement: ZBTB20 is on the minus strand); deleting any 3 consecutive bases within chr3:114,351,013-114,351,018 gives the same sequence; the position shown is the placement nearest the transcript's 3' end. VCF-style (leftmost placement, unchanged base first): chr3-114351012-ACTC-A. GRCh37 (hg19) VCF-style: chr3-114069859-ACTC-A.
Other names: c.1060GAG[1], p.Glu355del (NM_001164342.2, NM_001348803.3, NM_001393393.1 and 1 more transcripts); c.841GAG[1], p.Glu282del (NM_001164343.2, NM_001164344.4, NM_001164345.4 and 9 more transcripts); c.1063_1065del (NM_001164342.2); short protein forms E282del, E355del.
Identifiers: ClinVar variation 3343727 (VCV003343727.1).